The following is an entry in ClinVar:

NM_000620.5(NOS1):c.1689G>A (p.Gly563=)

Gene: NOS1 (nitric oxide synthase 1; minus strand). Cytogenetic location: 12q24.22.
Variant type: single nucleotide variant.
Coding change: c.1689G>A on transcript NM_000620.5 (MANE Select); coding-DNA position 1689, G replaced by A.
Protein change: p.Gly563=; no amino-acid change (glycine 563 retained).
Molecular consequence: synonymous variant.
Genome position (GRCh38, 1-based): chr12:117,272,535, C>T on the plus strand (G>A on the coding strand, the complement: NOS1 is on the minus strand). VCF-style: chr12-117272535-C-T. GRCh37 (hg19) VCF-style: chr12-117710340-C-T.
Other names: c.681G>A, p.Gly227= (NM_001204213.2, NM_001204214.2); c.1689G>A, p.Gly563= (NM_001204218.2).
Identifiers: ClinVar variation 3350648 (VCV003350648.1).

ClinVar aggregate classification (germline): Likely benign (0 of 4 stars; one submission).

Conditions:
NOS1-related disorder. Also called: NOS1-related condition.

Submission:

PreventionGenetics, part of Exact Sciences
Classification: Likely benign for NOS1-related condition. Last evaluated: 2019-07-16. Review status: no assertion criteria provided. Collection method: clinical testing. Allele origin: germline.
Comment: This variant is classified as likely benign based on ACMG/AMP sequence variant interpretation guidelines (Richards et al. 2015 PMID: 25741868, with internal and published modifications).